The following is an entry in ClinVar:

ClinVar aggregate classification (germline): Pathogenic. Review status: reviewed by expert panel (3 of 4 stars). 2 submissions from 2 submitters: Pathogenic (1). 1 of the submissions does not count toward it. Last evaluated 2016-10-18.

Conditions:
Breast-ovarian cancer, familial, susceptibility to, 1 (BROVCA1). Also called: BRCA1 Hereditary Breast and Ovarian Cancer; OVARIAN CANCER, SUSCEPTIBILITY TO. Identifiers: Orphanet 145, MedGen C2676676, MONDO:0011450, OMIM 604370. Disease mechanism: loss of function.

Submissions (2):

Evidence-based Network for the Interpretation of Germline Mutant Alleles (ENIGMA)
Classification: Pathogenic for Breast-ovarian cancer, familial, susceptibility to, 1. Last evaluated: 2016-10-18. Review status: reviewed by expert panel. Criteria: ENIGMA BRCA1/2 Classification Criteria (2015). Collection method: curation. Allele origin: germline.
Comment: Variant allele predicted to encode a truncated non-functional protein.

Consortium of Investigators of Modifiers of BRCA1/2 (CIMBA), c/o University of Cambridge
Classification: Pathogenic for Breast-ovarian cancer, familial, susceptibility to, 1. Last evaluated: 2015-10-02. Review status: criteria provided, single submitter. Criteria: CIMBA Mutation Classification guidelines May 2016. Collection method: clinical testing. Allele origin: germline. Not counted in ClinVar's aggregate classification.

NM_007294.4(BRCA1):c.500_501del (p.Thr167fs)

Gene: BRCA1 (BRCA1 DNA repair associated; minus strand). Cytogenetic location: 17q21.31.
Variant type: Deletion.
Coding change: c.500_501del on transcript NM_007294.4 (MANE Select); coding-DNA positions 500 to 501, 2 bases deleted (CA; older notation c.500_501delCA).
Protein change: p.Thr167fs; shifts the reading frame from threonine 167.
Molecular consequence: frameshift variant. On other transcripts: non-coding transcript variant (1).
Genome position (GRCh38, 1-based): chr17:43,099,821-43,099,822, TG deleted on the plus strand (CA on the coding strand, the reverse complement: BRCA1 is on the minus strand); deleting any 2 consecutive bases within chr17:43,099,821-43,099,823 gives the same sequence; the c. name uses the placement nearest the transcript's 3' end. VCF-style (leftmost placement, unchanged base first): chr17-43099820-TTG-T. GRCh37 (hg19) VCF-style: chr17-41251837-TTG-T.
Other names: 619_620delCA; c.355_356delAC, p.Thr119Lysfs (NM_001407841.1, NM_001407842.1, NM_001407843.1 and 35 more transcripts); c.358_359delAC, p.Thr120Lysfs (NM_001407850.1, NM_001407851.1, NM_001407852.1 and 60 more transcripts); c.286_287delAC, p.Thr96Lysfs (NM_001407853.1, NM_001407894.1, NM_001407895.1 and 18 more transcripts); c.499_500delAC, p.Thr167Lysfs (NM_001407854.1, NM_001407858.1, NM_001407859.1 and 96 more transcripts); c.496_497delAC, p.Thr166Lysfs (NM_001407860.1, NM_001407861.1, NM_001407940.1 and 65 more transcripts); c.421_422delAC, p.Thr141Lysfs (NM_001407862.1, NM_001408409.1, NM_001408411.1 and 12 more transcripts); c.418_419delAC, p.Thr140Lysfs (NM_001407874.1, NM_001407875.1, NM_001408413.1 and 6 more transcripts); and 7 more; short protein forms T120fs, T167fs.
Identifiers: ClinVar variation 266508 (VCV000266508.6), dbSNP rs886040258, ClinGen allele CA10590006.